The following is an entry in ClinVar:

NM_018418.5(SPATA7):c.808G>T (p.Asp270Tyr)

Gene: SPATA7 (spermatogenesis associated 7; plus strand). Cytogenetic location: 14q31.3.
Variant type: single nucleotide variant.
Coding change: c.808G>T on transcript NM_018418.5 (MANE Select); coding-DNA position 808, G replaced by T.
Protein change: p.Asp270Tyr; replaces aspartic acid 270 with tyrosine.
Molecular consequence: missense variant.
Genome position (GRCh38, 1-based): chr14:88,426,667, G>T. VCF-style: chr14-88426667-G-T. GRCh37 (hg19) VCF-style: chr14-88893011-G-T.
Other names: c.712G>T, p.Asp238Tyr (NM_001040428.4); short protein forms D238Y, D270Y.
Identifiers: ClinVar variation 1023658 (VCV001023658.9), dbSNP rs923955933, ClinGen allele CA264534838.

ClinVar aggregate classification (germline): Uncertain significance (1 of 4 stars; one submission).

Conditions:
Leber congenital amaurosis 3 (LCA3). Also called: SPATA7-Related Retinitis Pigmentosa. Identifiers: MedGen C1858677, MONDO:0011415, OMIM 604232.

Allele frequency attached by ClinVar (database versions not stated): TOPMed below 0.00001.

Submission:

Labcorp Genetics (formerly Invitae), Labcorp
Classification: Uncertain significance for Leber congenital amaurosis 3. Last evaluated: 2022-02-04. Review status: criteria provided, single submitter. Criteria: Invitae Variant Classification Sherloc (09022015). Collection method: clinical testing. Allele origin: germline.
Comment: This variant is not present in population databases (gnomAD no frequency). This sequence change replaces aspartic acid, which is acidic and polar, with tyrosine, which is neutral and polar, at codon 270 of the SPATA7 protein (p.Asp270Tyr). This variant has not been reported in the literature in individuals affected with SPATA7-related conditions. In summary, the available evidence is currently insufficient to determine the role of this variant in disease. Therefore, it has been classified as a Variant of Uncertain Significance. Algorithms developed to predict the effect of missense changes on protein structure and function are either unavailable or do not agree on the potential impact of this missense change (SIFT: "Deleterious"; PolyPhen-2: "Probably Damaging"; Align-GVGD: "Class C0"). ClinVar contains an entry for this variant (Variation ID: 1023658).